The following is an entry in ClinVar:

ClinVar aggregate classification (germline): Uncertain significance. Review status: criteria provided, single submitter (1 of 4 stars). 2 submissions from 2 submitters: Uncertain significance (1). 1 of the submissions does not count toward it. Last evaluated 2026-06-29.

Conditions:
Cystic fibrosis (CF). Also called: MUCOVISCIDOSIS. Identifiers: Orphanet 586, MedGen C0010674, MONDO:0009061, OMIM 219700. Disease mechanism: loss of function.
CFTR-related disorder (CFTR-RD). Also called: CFTR-related disorders; CFTR-related condition. Identifiers: MedGen C5924204, MONDO:7770004.

gnomAD v4.1: 1 of 1,612,854 alleles (0.000062%); highest among the groups gnomAD compares: Non-Finnish European, 0.000085%; no homozygotes.

Submissions (2):

Ambry Genetics
Classification: Uncertain significance for Cystic fibrosis. Last evaluated: 2026-06-29. Review status: criteria provided, single submitter. Criteria: Ambry Variant Classification Scheme 2023. Collection method: clinical testing. Allele origin: germline.
Comment: The p.K65R variant (also known as c.194A>G), located in coding exon 3 of the CFTR gene, results from an A to G substitution at nucleotide position 194. The lysine at codon 65 is replaced by arginine, an amino acid with highly similar properties. This amino acid position is highly conserved in available vertebrate species. In addition, the in silico prediction for this alteration is inconclusive. Based on the available evidence, the clinical significance of this variant remains unclear.

Natera, Inc.
Classification: Uncertain significance for CFTR-related disorders. Last evaluated: 2025-05-12. Review status: no assertion criteria provided. Collection method: clinical testing. Allele origin: germline. Not counted in ClinVar's aggregate classification.

NM_000492.4(CFTR):c.194A>G (p.Lys65Arg)

Genes: CFTR (CF transmembrane conductance regulator; plus strand), LOC113664106 (CFTR intron 2 DNase I hypersensitive site; plus strand). Cytogenetic location: 7q31.2.
Variant type: single nucleotide variant.
Coding change: c.194A>G on transcript NM_000492.4 (MANE Select); coding-DNA position 194, A replaced by G.
Protein change: p.Lys65Arg; replaces lysine 65 with arginine.
Molecular consequence: missense variant.
Genome position (GRCh38, 1-based): chr7:117,509,063, A>G. VCF-style: chr7-117509063-A-G. GRCh37 (hg19) VCF-style: chr7-117149117-A-G.
Other names: short protein forms K65R.
Identifiers: ClinVar variation 4064433 (VCV004064433.2).